The following is an entry in ClinVar:

ClinVar aggregate classification (germline): Likely pathogenic. Review status: reviewed by expert panel (3 of 4 stars). 4 submissions from 4 submitters: Likely pathogenic (1). 3 of the submissions do not count toward it. Last evaluated 2024-05-03.

Conditions:
Pulmonary hypertension, primary, 1 (PPH1). Also called: Pulmonary hypertension, familial primary, 1, with or without HHT. Identifiers: Orphanet 422, MedGen C4552070, MONDO:0024533, OMIM 178600.
Pulmonary arterial hypertension. Identifiers: Orphanet 182090, MedGen C2973725, MeSH D000081029, MONDO:0015924, HP:0002092.
Primary pulmonary hypertension. Also called: Idiopathic pulmonary hypertension. Identifiers: MedGen C0152171.

Submissions (4):

Clingen Pulmonary Hypertension Variant Curation Expert Panel, ClinGen
Classification: Likely pathogenic for Pulmonary arterial hypertension. Last evaluated: 2024-05-03. Review status: reviewed by expert panel. Criteria: ClinGen PH ACMG Specifications BMPR2 V1.1.0. Collection method: curation. Allele origin: germline. Inheritance: Autosomal dominant inheritance.
Comment: The NM_001204.7(BMPR2):c.240_241insT (p.Lys81Ter) variant is a DNA single thymine base insertion predicted to cause a frameshift, replacing a lysine residue for a stop codon at position 81. The variant is absent from the gnomAD v.2.1.1 controls and v3.0 (PM2_supporting). c.240_241insT was found in a patient with pulmonary arterial hypertension (PMID:20496075). The variant resides in the second exon of BMPR2 and generates a stop codon that is predicted to cause nonsense-mediated decay (PVS1). In summary, this variant meets the criteria to be classified as likely pathogenic for pulmonary arterial hypertension based on ACMG/AMP criteria applied, as specified by the ClinGen Pulmonary Hypertension VCEP: PM2_supporting, PVS1 (VCEP specification version v 1.1, 1/18/2024).

Labcorp Genetics (formerly Invitae), Labcorp
Classification: Pathogenic for Primary pulmonary hypertension. Last evaluated: 2025-08-13. Review status: criteria provided, single submitter. Criteria: Invitae Variant Classification Sherloc (09022015). Collection method: clinical testing. Allele origin: germline. Not counted in ClinVar's aggregate classification.
Comment: This sequence change creates a premature translational stop signal (p.Lys81*) in the BMPR2 gene. It is expected to result in an absent or disrupted protein product. Loss-of-function variants in BMPR2 are known to be pathogenic (PMID: 16429395). This variant is not present in population databases (gnomAD no frequency). This premature translational stop signal has been observed in individual(s) with pulmonary arterial hypertension (PMID: 20496075). ClinVar contains an entry for this variant (Variation ID: 425725). Algorithms developed to predict the effect of sequence changes on RNA splicing suggest that this variant may disrupt the consensus splice site. For these reasons, this variant has been classified as Pathogenic.

ARUP Laboratories, Molecular Genetics and Genomics, ARUP Laboratories
Classification: Pathogenic. Last evaluated: 2024-12-10. Review status: criteria provided, single submitter. Criteria: ARUP Molecular Germline Variant Investigation Process 2024. Collection method: clinical testing. Allele origin: germline. Not counted in ClinVar's aggregate classification.
Comment: The BMPR2 c.240_241insT; p.Lys81Ter variant (rs1085307183) is reported in the literature in an individual affected with pulmonary arterial hypertension (Johri 2010). This variant is absent from the Genome Aggregation Database (v2.1.1), indicating it is not a common polymorphism. This variant inserts a single nucleotide, induces an early termination codon, and is predicted to result in a truncated protein or mRNA subject to nonsense-mediated decay. Based on available information, this variant is considered to be pathogenic. References: Johri S et al. A novel BMPR2 mutation associated with pulmonary arterial hypertension in an octogenarian. Lung. 2010 Aug;188(4):349-52. PMID: 20496075.

Rare Disease Genomics Group, St George's University of London
Classification: Pathogenic for Primary pulmonary hypertension. Review status: no assertion criteria provided. Collection method: literature only. Allele origin: germline. Affected: yes. Not counted in ClinVar's aggregate classification.

Literature cited by the submitters: PubMed 16429395 (cited by Labcorp Genetics (formerly Invitae), Labcorp); PubMed 20496075 (cited by Labcorp Genetics (formerly Invitae), Labcorp and Rare Disease Genomics Group, St George's University of London).

NM_001204.7(BMPR2):c.240_241insT (p.Lys81Ter)

Gene: BMPR2 (bone morphogenetic protein receptor type 2; plus strand). Cytogenetic location: 2q33.1.
Variant type: Insertion.
Coding change: c.240_241insT on transcript NM_001204.7 (MANE Select); coding-DNA positions 240 to 241, T inserted.
Protein change: p.Lys81Ter; replaces lysine 81 with a stop codon.
Molecular consequence: nonsense.
Genome position: GRCh38 VCF-style: chr2-202464972-A-AT. GRCh37 (hg19) VCF-style: chr2-203329695-A-AT.
Other names: NP_001195.2:p.K81*; NM_001204.7(BMPR2):c.240_241insT; p.Lys81Ter; c.240_241insT (LRG_712t1); short protein forms K81*.
Identifiers: ClinVar variation 425725 (VCV000425725.4), dbSNP rs1085307183, ClinGen allele CA645293999.